The following is an entry in ClinVar:

NM_017654.4(SAMD9):c.985A>G (p.Asn329Asp)

Gene: SAMD9 (sterile alpha motif domain containing 9; minus strand). Cytogenetic location: 7q21.2.
Variant type: single nucleotide variant.
Coding change: c.985A>G on transcript NM_017654.4 (MANE Select); coding-DNA position 985, A replaced by G.
Protein change: p.Asn329Asp; replaces asparagine 329 with aspartic acid.
Molecular consequence: missense variant.
Genome position (GRCh38, 1-based): chr7:93,105,113, T>C on the plus strand (A>G on the coding strand, the complement: SAMD9 is on the minus strand). VCF-style: chr7-93105113-T-C. GRCh37 (hg19) VCF-style: chr7-92734426-T-C.
Other names: c.985A>G, p.Asn329Asp (NM_001193307.2); short protein forms N329D.
Identifiers: ClinVar variation 4159106 (VCV004159106.1).

ClinVar aggregate classification (germline): Uncertain significance (1 of 4 stars; one submission).

Conditions:
Inborn genetic diseases. Identifiers: MedGen C0950123, MeSH D030342.

gnomAD v4.1: 5 of 1,613,732 alleles (0.00031%); highest among the groups gnomAD compares: Admixed American, 0.0017%; no homozygotes.

Submission:

Ambry Genetics
Classification: Uncertain significance for Inborn genetic diseases. Last evaluated: 2025-07-28. Review status: criteria provided, single submitter. Criteria: Ambry Variant Classification Scheme 2023. Collection method: clinical testing. Allele origin: germline.
Comment: The p.N329D variant (also known as c.985A>G), located in coding exon 1 of the SAMD9 gene, results from an A to G substitution at nucleotide position 985. The asparagine at codon 329 is replaced by aspartic acid, an amino acid with highly similar properties. This amino acid position is conserved. In addition, this alteration is predicted to be tolerated by in silico analysis. Based on the available evidence, the clinical significance of this variant remains unclear.